The following is an entry in ClinVar:

NM_001370259.2(MEN1):c.446-10C>A

Gene: MEN1 (menin 1; minus strand). Cytogenetic location: 11q13.1.
Variant type: single nucleotide variant.
Coding change: c.446-10C>A on transcript NM_001370259.2 (MANE Select); 10 bases into the intron before coding-DNA position 446, C replaced by A.
Molecular consequence: intron variant.
Genome position (GRCh38, 1-based): chr11:64,808,109, G>T on the plus strand (C>A on the coding strand, the complement: MEN1 is on the minus strand). VCF-style: chr11-64808109-G-T. GRCh37 (hg19) VCF-style: chr11-64575581-G-T.
Other names: c.446-10C>A (NM_130799.3, NM_001370260.2, NM_001370251.2 and 3 more transcripts); c.461-10C>A (NM_000244.4, NM_130801.3, NM_130800.3 and 3 more transcripts).
Identifiers: ClinVar variation 1642106 (VCV001642106.9), dbSNP rs1442401628, ClinGen allele CA2573147361.

ClinVar aggregate classification (germline): Likely benign. Review status: criteria provided, multiple submitters, no conflicts (2 of 4 stars). 2 submissions from 2 submitters: Likely benign (2). Last evaluated 2025-07-16.

Conditions:
Multiple endocrine neoplasia, type 1 (MEN1). Also called: MEA I; MEN I; WERMER SYNDROME; Endocrine adenomatosis multiple; MEN 1. Identifiers: Orphanet 652, MedGen C0025267, MeSH D018761, MONDO:0007540, OMIM 131100.

gnomAD v4.1: 1 of 1,601,954 alleles (0.000062%); highest among the groups gnomAD compares: Non-Finnish European, 0.000085%; no homozygotes.

Submissions (2):

Labcorp Genetics (formerly Invitae), Labcorp
Classification: Likely benign for Multiple endocrine neoplasia, type 1. Last evaluated: 2025-07-16. Review status: criteria provided, single submitter. Criteria: Invitae Variant Classification Sherloc (09022015). Collection method: clinical testing. Allele origin: germline.

All of Us Research Program, National Institutes of Health
Classification: Likely benign for Multiple endocrine neoplasia, type 1. Last evaluated: 2023-12-13. Review status: criteria provided, single submitter. Criteria: ACMG Guidelines, 2015. Collection method: clinical testing. Allele origin: germline. Inheritance: Autosomal dominant inheritance. Observed: 1 variant allele, 1 heterozygote.
Comment: This study involves interpretation of variants in research participants for the purpose of population health screening. Participant phenotype was not available at the time of variant classification. Additional details can be found in publication PMID: 35346344, PMCID: PMC8962531